The following is an entry in ClinVar:

ClinVar aggregate classification (germline): Uncertain significance (1 of 4 stars; one submission).

Allele frequency attached by ClinVar (database versions not stated): gnomAD exomes below 0.00001.
gnomAD v4.1: 2 of 1,614,208 alleles (0.00012%); highest among the groups gnomAD compares: African/African-American, 0.0013%; no homozygotes.

Submission:

Labcorp Genetics (formerly Invitae), Labcorp
Classification: Uncertain significance. Last evaluated: 2024-10-15. Review status: criteria provided, single submitter. Criteria: Invitae Variant Classification Sherloc (09022015). Collection method: clinical testing. Allele origin: germline.
Comment: This sequence change replaces serine, which is neutral and polar, with threonine, which is neutral and polar, at codon 87 of the FOXRED1 protein (p.Ser87Thr). This variant is not present in population databases (gnomAD no frequency). This variant has not been reported in the literature in individuals affected with FOXRED1-related conditions. ClinVar contains an entry for this variant (Variation ID: 1492036). Invitae Evidence Modeling of protein sequence and biophysical properties (such as structural, functional, and spatial information, amino acid conservation, physicochemical variation, residue mobility, and thermodynamic stability) indicates that this missense variant is not expected to disrupt FOXRED1 protein function with a negative predictive value of 80%. In summary, the available evidence is currently insufficient to determine the role of this variant in disease. Therefore, it has been classified as a Variant of Uncertain Significance.

NM_017547.4(FOXRED1):c.260G>C (p.Ser87Thr)

Gene: FOXRED1 (FAD dependent oxidoreductase domain containing 1; plus strand). Cytogenetic location: 11q24.2.
Variant type: single nucleotide variant.
Coding change: c.260G>C on transcript NM_017547.4 (MANE Select); coding-DNA position 260, G replaced by C.
Protein change: p.Ser87Thr; replaces serine 87 with threonine.
Molecular consequence: missense variant. On other transcripts: non-coding transcript variant (1).
Genome position (GRCh38, 1-based): chr11:126,271,611, G>C. VCF-style: chr11-126271611-G-C. GRCh37 (hg19) VCF-style: chr11-126141506-G-C.
Other names: short protein forms S87T.
Identifiers: ClinVar variation 1492036 (VCV001492036.6), dbSNP rs1565352060, ClinGen allele CA383229241.
Genomic context (GRCh38, chr11:126,271,611, plus strand): 5'-TGATCGTGGGAGGTGGGGTGCTTGGCTTGTCTGTGGCCTATTGGCTGAAGAAGCTGGAGA[G>C]CAGACGAGGTGCTATTCGAGTGCTAGTGGTGGAACGGGACCACACGGTGAGGTCTGGGGT-3'
Protein context (NP_060017.1, residues 77-97): SVAYWLKKLE[Ser87Thr]RRGAIRVLVV